The following is an entry in ClinVar:

NM_000368.5(TSC1):c.1324A>T (p.Arg442Ter)

Gene: TSC1 (TSC complex subunit 1; minus strand). Cytogenetic location: 9q34.13.
Variant type: single nucleotide variant.
Coding change: c.1324A>T on transcript NM_000368.5 (MANE Select); coding-DNA position 1324, A replaced by T.
Protein change: p.Arg442Ter; replaces arginine 442 with a stop codon.
Molecular consequence: nonsense.
Genome position (GRCh38, 1-based): chr9:132,907,310, T>A on the plus strand (A>T on the coding strand, the complement: TSC1 is on the minus strand). VCF-style: chr9-132907310-T-A. GRCh37 (hg19) VCF-style: chr9-135782697-T-A.
Other names: c.1321A>T, p.Arg441Ter (NM_001162426.2); c.1171A>T, p.Arg391Ter (NM_001162427.2); c.961A>T, p.Arg321Ter (NM_001362177.2); short protein forms R321*, R391*, R441*, R442*.
Identifiers: ClinVar variation 1027676 (VCV001027676.3), dbSNP rs1845724649, ClinGen allele CA375366093.

ClinVar aggregate classification (germline): Likely pathogenic (0 of 4 stars; one submission).

Conditions:
Tuberous sclerosis 1 (TSC1). Identifiers: Orphanet 805, MedGen C1854465, MONDO:0008612, OMIM 191100.

Submission:

HUSP Clinical Genetics Laboratory, Hospital Universitario San Pedro De Logroño (HUSP)
Classification: Likely pathogenic for Tuberous sclerosis 1. Last evaluated: 2019-01-21. Review status: no assertion criteria provided. Collection method: clinical testing. Allele origin: germline. Inheritance: Autosomal dominant inheritance. Affected: yes. Observed: 1 variant allele, 1 heterozygote.
Comment: The c.1324A>T variant in the TSC1 gene (NM_000368.5) causes a premature stop codon. This alteration has not been reported previously in literature and it is not detected in general population. Pathological variants in the TSC1 gene are related to Tuberous Sclerosis-1 (OMIM:191100), with an autosomal dominant mode of inheritance . Therefore, we consider that the clinical significance of c.104_105delCG variant is likely pathogenic.